The following is an entry in ClinVar:

ClinVar aggregate classification (germline): Uncertain significance (1 of 4 stars; one submission).

Conditions:
Epileptic encephalopathy. Identifiers: MedGen C0543888, HP:0200134.

Submission:

Labcorp Genetics (formerly Invitae), Labcorp
Classification: Uncertain significance for Epileptic encephalopathy. Last evaluated: 2024-04-17. Review status: criteria provided, single submitter. Criteria: Invitae Variant Classification Sherloc (09022015). Collection method: clinical testing. Allele origin: germline.
Comment: This sequence change replaces glutamic acid, which is acidic and polar, with lysine, which is basic and polar, at codon 291 of the GABBR2 protein (p.Glu291Lys). This variant is not present in population databases (gnomAD no frequency). This variant has not been reported in the literature in individuals affected with GABBR2-related conditions. Advanced modeling of protein sequence and biophysical properties (such as structural, functional, and spatial information, amino acid conservation, physicochemical variation, residue mobility, and thermodynamic stability) performed at Invitae indicates that this missense variant is not expected to disrupt GABBR2 protein function with a negative predictive value of 80%. In summary, the available evidence is currently insufficient to determine the role of this variant in disease. Therefore, it has been classified as a Variant of Uncertain Significance.

NM_005458.8(GABBR2):c.871G>A (p.Glu291Lys)

Gene: GABBR2 (gamma-aminobutyric acid type B receptor subunit 2; minus strand). Cytogenetic location: 9q22.33.
Variant type: single nucleotide variant.
Coding change: c.871G>A on transcript NM_005458.8 (MANE Select); coding-DNA position 871, G replaced by A.
Protein change: p.Glu291Lys; replaces glutamic acid 291 with lysine.
Molecular consequence: missense variant.
Genome position (GRCh38, 1-based): chr9:98,473,274, C>T on the plus strand (G>A on the coding strand, the complement: GABBR2 is on the minus strand). VCF-style: chr9-98473274-C-T. GRCh37 (hg19) VCF-style: chr9-101235556-C-T.
Other names: short protein forms E291K.
Identifiers: ClinVar variation 3650190 (VCV003650190.2).
Genomic context (GRCh38, chr9:98,473,274, plus strand): 5'-TGGCAGCAAGCAGATTCTTCCGGAGGCAGCGGGATGAGTTGGCTTCCGTGTGCACCTGCT[C>T]CCACCAAGAAGGCTCGTACCAGCCCGGAATGATCCACTGATATTTACTACCATACATGTT-3'
Protein context (NP_005449.5, residues 281-301): IPGWYEPSWW[Glu291Lys]QVHTEANSSR